The following is an entry in ClinVar:

ClinVar aggregate classification (germline): Benign/Likely benign. Review status: criteria provided, multiple submitters, no conflicts (2 of 4 stars). 3 submissions from 3 submitters: Benign (1); Likely benign (2). Last evaluated 2026-01-05.

Conditions:
Juvenile polyposis syndrome (JPS). Identifiers: Orphanet 2929, MedGen C0345893, MONDO:0017380, OMIM 174900.
Familial thoracic aortic aneurysm and aortic dissection (TAAD). Also called: Thoracic aortic aneurysms and dissections. Identifiers: Orphanet 91387, MedGen C4707243, MONDO:0019625.
Hereditary cancer-predisposing syndrome. Also called: Neoplastic Syndromes, Hereditary; Hereditary neoplastic syndrome; Hereditary Cancer Syndrome; Tumor predisposition. Identifiers: Orphanet 140162, MedGen C0027672, MeSH D009386, MONDO:0015356.
Juvenile polyposis/hereditary hemorrhagic telangiectasia syndrome (JPHT). Also called: JP/HHT SYNDROME; JUVENILE POLYPOSIS WITH HEREDITARY HEMORRHAGIC TELANGIECTASIA; POLYPOSIS, GENERALIZED JUVENILE, WITH PULMONARY ARTERIOVENOUS MALFORMATION; TELANGIECTASIA, HEREDITARY HEMORRHAGIC, WITH JUVENILE POLYPOSIS COLI; Juvenile Polyposis Syndrome / Hereditary Hemorrhagic Telangiectasia (JPS/HHT). Identifiers: Orphanet 2929, MedGen C1832942, MONDO:0008278, OMIM 175050.

Allele frequency attached by ClinVar (database versions not stated): gnomAD exomes below 0.00001.
gnomAD v4.1: 3 of 1,613,888 alleles (0.00019%); highest among the groups gnomAD compares: African/African-American, 0.004%; no homozygotes.

Submissions (3):

Labcorp Genetics (formerly Invitae), Labcorp
Classification: Likely benign for Juvenile polyposis syndrome. Last evaluated: 2026-01-05. Review status: criteria provided, single submitter. Criteria: Invitae Variant Classification Sherloc (09022015). Collection method: clinical testing. Allele origin: germline.

Myriad Genetics, Inc.
Classification: Benign for Juvenile polyposis/hereditary hemorrhagic telangiectasia syndrome. Last evaluated: 2025-03-19. Review status: criteria provided, single submitter. Criteria: Myriad Autosomal Dominant, Autosomal Recessive and X-Linked Classification Criteria (2023). Collection method: clinical testing. Allele origin: unknown.
Comment: This variant is considered benign. This variant is a silent/synonymous amino acid change and it is not expected to impact splicing.

Ambry Genetics
Classification: Likely benign for Hereditary cancer-predisposing syndrome; Familial thoracic aortic aneurysm and aortic dissection. Last evaluated: 2019-01-14. Review status: criteria provided, single submitter. Criteria: Ambry Variant Classification Scheme 2023. Collection method: clinical testing. Allele origin: germline.

NM_005359.6(SMAD4):c.687G>C (p.Leu229=)

Gene: SMAD4 (SMAD family member 4; plus strand). Cytogenetic location: 18q21.2.
Variant type: single nucleotide variant.
Coding change: c.687G>C on transcript NM_005359.6 (MANE Select); coding-DNA position 687, G replaced by C.
Protein change: p.Leu229=; no amino-acid change (leucine 229 retained).
Molecular consequence: synonymous variant.
Genome position (GRCh38, 1-based): chr18:51,058,144, G>C. VCF-style: chr18-51058144-G-C. GRCh37 (hg19) VCF-style: chr18-48584514-G-C.
Identifiers: ClinVar variation 826679 (VCV000826679.13), dbSNP rs776840348, ClinGen allele CA503993808.